The following is an entry in ClinVar:

NM_000465.4(BARD1):c.195A>G (p.Gly65=)

Gene: BARD1 (BRCA1 associated RING domain 1; minus strand). Cytogenetic location: 2q35.
Variant type: single nucleotide variant.
Coding change: c.195A>G on transcript NM_000465.4 (MANE Select); coding-DNA position 195, A replaced by G.
Protein change: p.Gly65=; no amino-acid change (glycine 65 retained).
Molecular consequence: synonymous variant. On other transcripts: non-coding transcript variant (2), intron variant (2).
Genome position (GRCh38, 1-based): chr2:214,797,081, T>C on the plus strand (A>G on the coding strand, the complement: BARD1 is on the minus strand). VCF-style: chr2-214797081-T-C. GRCh37 (hg19) VCF-style: chr2-215661805-T-C.
Other names: c.195A>G, p.Gly65= (NM_001282545.2, NM_001282549.2); c.158+12331A>G (NM_001282548.2); c.159-4636A>G (NM_001282543.2); c.195A>G (NM_000465.2).
Identifiers: ClinVar variation 1961930 (VCV001961930.6), dbSNP rs1574847294, ClinGen allele CA431144700.

ClinVar aggregate classification (germline): Conflicting classifications of pathogenicity. Review status: criteria provided, conflicting classifications (1 of 4 stars). 2 submissions from 2 submitters: Uncertain significance (1); Likely benign (1). Last evaluated 2023-10-05.

Conditions:
Hereditary cancer-predisposing syndrome. Also called: Hereditary Cancer Syndrome; Hereditary neoplastic syndrome; Tumor predisposition; Neoplastic Syndromes, Hereditary. Identifiers: Orphanet 140162, MedGen C0027672, MeSH D009386, MONDO:0015356.
Familial cancer of breast. Also called: hereditary breast carcinoma; BREAST CANCER, FAMILIAL; Hereditary breast cancer. Identifiers: Orphanet 227535, MedGen C0346153, MONDO:0016419, OMIM 114480. Disease mechanism: loss of function.

Submissions (2):

Ambry Genetics
Classification: Uncertain significance for Hereditary cancer-predisposing syndrome. Last evaluated: 2023-10-05. Review status: criteria provided, single submitter. Criteria: Ambry Variant Classification Scheme 2023. Collection method: clinical testing. Allele origin: germline.
Comment: The c.195A>G variant (also known as p.G65G), located in coding exon 2 of the BARD1 gene, results from an A to G substitution at nucleotide position 195. This nucleotide substitution does not change the at codon 65. This nucleotide position is not well conserved in available vertebrate species. In silico splice site analysis for this alteration is inconclusive. Since supporting evidence is limited at this time, the clinical significance of this alteration remains unclear.

Labcorp Genetics (formerly Invitae), Labcorp
Classification: Likely benign for Familial cancer of breast. Last evaluated: 2022-08-09. Review status: criteria provided, single submitter. Criteria: Invitae Variant Classification Sherloc (09022015). Collection method: clinical testing. Allele origin: germline.